The following is an entry in ClinVar:

NM_001371986.1(UNC80):c.9681G>A (p.Ala3227=)

Gene: UNC80 (unc-80 subunit of NALCN channel complex; plus strand). Cytogenetic location: 2q34.
Variant type: single nucleotide variant.
Coding change: c.9681G>A on transcript NM_001371986.1 (MANE Select); coding-DNA position 9681, G replaced by A.
Protein change: p.Ala3227=; no amino-acid change (alanine 3227 retained).
Molecular consequence: synonymous variant.
Genome position (GRCh38, 1-based): chr2:209,994,237, G>A. VCF-style: chr2-209994237-G-A. GRCh37 (hg19) VCF-style: chr2-210858961-G-A.
Other names: c.9483G>A, p.Ala3161= (NM_032504.2); c.9411G>A, p.Ala3137= (NM_182587.4); c.9483G>A (NM_032504.1).
Identifiers: ClinVar variation 2192384 (VCV002192384.5), dbSNP rs900439383, ClinGen allele CA64665489.
Genomic context (GRCh38, chr2:209,994,237, plus strand): 5'-TAGGAAACCAGAAGCAATGGACGAACCAGTCCTCACATCTTCTCCCGCCATAGTTGTTGC[G>A]GATCTCCACAGCGTGTCTCCCAAGCAGGTGAGGGCACTAGAGAAACAGGCAAGGCTTGCT-3'
Protein context (NP_001358915.1, residues 3217-3237): VLTSSPAIVV[Ala3227=]DLHSVSPKQS

ClinVar aggregate classification (germline): Likely benign. Review status: criteria provided, single submitter (1 of 4 stars). 2 submissions from 2 submitters: Likely benign (1). 1 of the submissions does not count toward it. Last evaluated 2025-02-18.

Conditions:
UNC80-related disorder. Also called: UNC80-related condition.

Allele frequency attached by ClinVar (database versions not stated): gnomAD exomes 0.00001; TOPMed 0.00001.
gnomAD v4.1: 6 of 1,550,730 alleles (0.00039%); highest among the groups gnomAD compares: South Asian, 0.0024%; no homozygotes.

Submissions (2):

Labcorp Genetics (formerly Invitae), Labcorp
Classification: Likely benign. Last evaluated: 2025-02-18. Review status: criteria provided, single submitter. Criteria: Invitae Variant Classification Sherloc (09022015). Collection method: clinical testing. Allele origin: germline.

PreventionGenetics, part of Exact Sciences
Classification: Likely benign for UNC80-related condition. Last evaluated: 2024-03-29. Review status: no assertion criteria provided. Collection method: clinical testing. Allele origin: germline. Not counted in ClinVar's aggregate classification.
Comment: This variant is classified as likely benign based on ACMG/AMP sequence variant interpretation guidelines (Richards et al. 2015 PMID: 25741868, with internal and published modifications).